The following is an entry in ClinVar:

ClinVar aggregate classification (germline): Conflicting classifications of pathogenicity. Review status: criteria provided, conflicting classifications (1 of 4 stars). 8 submissions from 8 submitters: Uncertain significance (7); Likely benign (1). Last evaluated 2026-06-15.

Conditions:
Hereditary cancer-predisposing syndrome. Also called: Neoplastic Syndromes, Hereditary; Tumor predisposition; Hereditary neoplastic syndrome; Hereditary Cancer Syndrome. Identifiers: Orphanet 140162, MedGen C0027672, MeSH D009386, MONDO:0015356.
Fanconi anemia complementation group O. Also called: RAD51C-Related Fanconi Anemia. Identifiers: Orphanet 84, MedGen C3150653, MONDO:0013248, OMIM 613390.

Allele frequency attached by ClinVar (database versions not stated): TOPMed 0.00001; gnomAD exomes 0.00002 and 0.00001; ExAC 0.00001; gnomAD 0.00001.
gnomAD v4.1: 8 of 1,613,990 alleles (0.0005%); highest among the groups gnomAD compares: Admixed American, 0.013%; no homozygotes.

Submissions (8):

Women's Health and Genetics/Laboratory Corporation of America, LabCorp
Classification: Uncertain significance. Last evaluated: 2026-06-15. Review status: criteria provided, single submitter. Criteria: LabCorp Variant Classification Summary - May 2015. Collection method: clinical testing. Allele origin: germline.
Comment: Variant summary: RAD51C c.563A>T (p.Lys188Met) results in a non-conservative amino acid change in the encoded protein sequence. Algorithms developed to predict the effect of missense changes on protein structure and function are either unavailable or do not agree on the potential impact of this missense change. The variant allele was found at a frequency of 2.4e-05 in 251472 control chromosomes. The available data on variant occurrences in the general population are insufficient to allow any conclusion about variant significance. c.563A>T has been observed in individual(s) affected with RAD51C-related conditions (Weitzel_2019). These report(s) do not provide unequivocal conclusions about association of the variant with disease. At least one publication reports experimental evidence evaluating an impact on protein function. These results showed no damaging effect of this variant (Hu_2023). The following publications have been ascertained in the context of this evaluation (PMID: 37253112, 31206626). ClinVar contains an entry for this variant (Variation ID: 141353). Based on the evidence outlined above, the variant was classified as uncertain significance.

Labcorp Genetics (formerly Invitae), Labcorp
Classification: Uncertain significance for Fanconi anemia complementation group O. Last evaluated: 2026-02-03. Review status: criteria provided, single submitter. Criteria: Invitae Variant Classification Sherloc (09022015). Collection method: clinical testing. Allele origin: germline.
Comment: This sequence change replaces lysine, which is basic and polar, with methionine, which is neutral and non-polar, at codon 188 of the RAD51C protein (p.Lys188Met). This variant is present in population databases (rs587781680, gnomAD 0.02%). This missense change has been observed in individual(s) with breast cancer (PMID: 31206626). ClinVar contains an entry for this variant (Variation ID: 141353). An algorithm developed to predict the effect of missense changes on protein structure and function outputs the following: PolyPhen-2: "Benign". The methionine amino acid residue is found in multiple mammalian species, which suggests that this missense change does not adversely affect protein function. Experimental studies have shown that this missense change does not substantially affect RAD51C function (PMID: 37253112). In summary, the available evidence is currently insufficient to determine the role of this variant in disease. Therefore, it has been classified as a Variant of Uncertain Significance.

Color Diagnostics, LLC DBA Color Health
Classification: Uncertain significance for Hereditary cancer-predisposing syndrome. Last evaluated: 2025-11-18. Review status: criteria provided, single submitter. Criteria: ACMG Guidelines, 2015. Collection method: clinical testing. Allele origin: germline.
Comment: This missense variant replaces lysine with methionine at codon 188 of the RAD51C protein. Computational prediction suggests that this variant may not impact protein structure and function. A functional study has reported that this variant does not impact RAD51C in a homology-directed DNA repair assay (PMID: 37253112). This variant has been reported in a breast cancer case-control study in 1/1054 cases and absent in 312 local unaffected controls and 887 multiethnic cohort controls (PMID: 31206626). This variant has been identified in 8/1613990 chromosomes in the general population by the Genome Aggregation Database (gnomAD). The available evidence is insufficient to determine the role of this variant in disease conclusively. Therefore, this variant is classified as a Variant of Uncertain Significance.

Quest Diagnostics Nichols Institute San Juan Capistrano
Classification: Uncertain significance. Last evaluated: 2024-11-05. Review status: criteria provided, single submitter. Criteria: Quest Diagnostics criteria. Collection method: clinical testing. Allele origin: unknown.
Comment: The RAD51C c.563A>T (p.Lys188Met) variant has been reported in the published literature in an individual affected with breast cancer (PMID: 31206626 (2019)). In addition, this variant was reported to display homology directed repair (HDR) activity similar to wildtype HDR activity (PMID: 37253112 (2023)). However, further studies are required to assess the global effect of this variant on RAD51C protein function. The frequency of this variant in the general population, 0.0002 (7/35438 chromosomes (Genome Aggregation Database)), is uninformative in the assessment of its pathogenicity. Analysis of this variant using bioinformatics tools for the prediction of the effect of amino acid changes on protein structure and function yielded predictions that this variant is benign. Based on the available information, we are unable to determine the clinical significance of this variant.

GeneDx
Classification: Uncertain significance. Last evaluated: 2023-01-24. Review status: criteria provided, single submitter. Criteria: GeneDx Variant Classification Process June 2021. Collection method: clinical testing. Allele origin: germline. Affected: yes.
Comment: In silico analysis supports that this missense variant does not alter protein structure/function; Has not been previously published as pathogenic or benign to our knowledge; This variant is associated with the following publications: (PMID: 14704354)

Baylor Genetics
Classification: Uncertain significance for Fanconi anemia complementation group O. Last evaluated: 2021-02-09. Review status: criteria provided, single submitter. Criteria: ACMG Guidelines, 2015. Collection method: clinical testing. Allele origin: unknown. Affected: yes. Study: CSER-TexasKidsCanSeq.
Comment: This variant was determined to be of uncertain significance according to ACMG Guidelines, 2015 [PMID:25741868].

Genetic Services Laboratory, University of Chicago
Classification: Uncertain significance. Last evaluated: 2020-02-11. Review status: criteria provided, single submitter. Criteria: ACMG Guidelines, 2015. Collection method: clinical testing. Allele origin: germline. Affected: no.

Ambry Genetics
Classification: Likely benign for Hereditary cancer-predisposing syndrome. Last evaluated: 2019-04-29. Review status: criteria provided, single submitter. Criteria: Ambry Variant Classification Scheme 2023. Collection method: clinical testing. Allele origin: germline.

Literature cited by the submitters: PubMed 31206626 (cited by 4 submitters); PubMed 37253112 (cited by 4 submitters).

NM_058216.3(RAD51C):c.563A>T (p.Lys188Met)

Gene: RAD51C (RAD51 paralog C; plus strand). Cytogenetic location: 17q22.
Variant type: single nucleotide variant.
Coding change: c.563A>T on transcript NM_058216.3 (MANE Select); coding-DNA position 563, A replaced by T.
Protein change: p.Lys188Met; replaces lysine 188 with methionine.
Molecular consequence: missense variant.
Genome position (GRCh38, 1-based): chr17:58,696,851, A>T. VCF-style: chr17-58696851-A-T. GRCh37 (hg19) VCF-style: chr17-56774212-A-T.
Other names: c.563A>T (LRG_314t1); short protein forms K188M.
Identifiers: ClinVar variation 141353 (VCV000141353.31), dbSNP rs587781680, ClinGen allele CA165187.